The following is an entry in ClinVar:

ClinVar aggregate classification (germline): Likely benign (0 of 4 stars; one submission).

Conditions:
GAPVD1-related disorder. Also called: GAPVD1-related condition.

gnomAD v4.1: 9 of 1,613,770 alleles (0.00056%); highest among the groups gnomAD compares: African/African-American, 0.008%; no homozygotes.

Submission:

PreventionGenetics, part of Exact Sciences
Classification: Likely benign for GAPVD1-related condition. Last evaluated: 2019-09-19. Review status: no assertion criteria provided. Collection method: clinical testing. Allele origin: germline.
Comment: This variant is classified as likely benign based on ACMG/AMP sequence variant interpretation guidelines (Richards et al. 2015 PMID: 25741868, with internal and published modifications).

NM_001282680.3(GAPVD1):c.4138C>T (p.Leu1380=)

Gene: GAPVD1 (GTPase activating protein and VPS9 domains 1; plus strand). Cytogenetic location: 9q33.3.
Variant type: single nucleotide variant.
Coding change: c.4138C>T on transcript NM_001282680.3 (MANE Select); coding-DNA position 4138, C replaced by T.
Protein change: p.Leu1380=; no amino-acid change (leucine 1380 retained).
Molecular consequence: synonymous variant. On other transcripts: non-coding transcript variant (2).
Genome position (GRCh38, 1-based): chr9:125,360,621, C>T. VCF-style: chr9-125360621-C-T. GRCh37 (hg19) VCF-style: chr9-128122900-C-T.
Other names: c.4192C>T, p.Leu1398= (NM_001282679.2); c.4075C>T, p.Leu1359= (NM_001282681.3, NM_001354297.2, NM_001354300.2); c.3994C>T, p.Leu1332= (NM_001330777.3); c.4057C>T, p.Leu1353= (NM_001330778.3); c.4138C>T, p.Leu1380= (NM_001354294.2, NM_001354295.2, NM_001354296.2 and 3 more transcripts); c.4219C>T, p.Leu1407= (NM_015635.4).
Identifiers: ClinVar variation 3354933 (VCV003354933.1).